The following is an entry in ClinVar:

NM_001367534.1(CAMK2G):c.1534+285G>A

Gene: CAMK2G (calcium/calmodulin dependent protein kinase II gamma; minus strand). Cytogenetic location: 10q22.2.
Variant type: single nucleotide variant.
Coding change: c.1534+285G>A on transcript NM_001367534.1 (MANE Select); 285 bases into the intron after coding-DNA position 1534, G replaced by A.
Molecular consequence: intron variant. On other transcripts: missense variant (13), 3 prime UTR variant (2).
Genome position (GRCh38, 1-based): chr10:73,816,738, C>T on the plus strand (G>A on the coding strand, the complement: CAMK2G is on the minus strand). VCF-style: chr10-73816738-C-T. GRCh37 (hg19) VCF-style: chr10-75576496-C-T.
Other names: c.1750G>A, p.Ala584Thr (NM_001320898.2); c.1699G>A, p.Ala567Thr (NM_001367514.1); c.1573G>A, p.Ala525Thr (NM_001367519.1); c.1681G>A, p.Ala561Thr (NM_001367520.1); c.1672G>A, p.Ala558Thr (NM_001367521.1); c.1687G>A, p.Ala563Thr (NM_001367522.1); c.1636G>A, p.Ala546Thr (NM_001367523.1); c.1504G>A, p.Ala502Thr (NM_001367524.1); and 28 more; short protein forms A292T, A410T, A502T, A514T, A525T, A537T, A546T, A552T.
Identifiers: ClinVar variation 4882514 (VCV004882514.2).
Genomic context (GRCh38, chr10:73,816,738, plus strand): 5'-CTCGATCTCCTGACCTCGTGATCCGCCAGCCTCAGCCTCCCAAAGTGTTGGGATTACAGG[C>T]GTAAGCCACCGCGCCCGGCAAGAAATAAGTGAGCTTGATTGTGGTGACTGGCACTGCCAC-3'

ClinVar aggregate classification (germline): Uncertain significance (1 of 4 stars; one submission).

gnomAD v4.1: 10 of 1,363,102 alleles (0.00073%); highest among the groups gnomAD compares: East Asian, 0.004%; no homozygotes.

Submission:

Dasa
Classification: Uncertain significance. Last evaluated: 2025-11-12. Review status: criteria provided, single submitter. Criteria: DASA Assertion Criteria. Collection method: clinical testing. Allele origin: germline.
Comment: NM_001320898.2(CAMK2G):c.1750G>A (p.Ala584Thr) is a missense variant that results in the substitution of alanine with threonine. This variant is rare in population databases. The currently available literature and clinical evidence are not sufficient to establish a definitive association between this variant and the reported condition. Therefore, this variant is classified as a variant of uncertain significance.